The following is an entry in ClinVar:

ClinVar aggregate classification (germline): Likely pathogenic (1 of 4 stars; one submission).

Conditions:
X-linked Alport syndrome (ATS1). Also called: COL4A5-Related Nephropathy; NEPHROPATHY AND DEAFNESS, X-LINKED. Identifiers: Orphanet 63, Orphanet 88917, MedGen C4746986, MONDO:0010520, OMIM 301050.

Submission:

Myriad Genetics, Inc.
Classification: Likely pathogenic for X-linked Alport syndrome. Last evaluated: 2022-03-02. Review status: criteria provided, single submitter. Criteria: Myriad Women's Health Autosomal Recessive and X-Linked Classification Criteria (2021). Collection method: clinical testing. Allele origin: unknown.
Comment: NM_000495.4(COL4A5):c.2683A>T(K895*) is expected to be pathogenic in the context of X-linked Alport syndrome. This variant is predicted to lead to an abnormal or absent protein product due to the creation of a premature termination codon in COL4A5, a gene where loss-of-function variants are known to be pathogenic. Please note: this variant was assessed in the context of healthy population screening.

NM_033380.3(COL4A5):c.2683A>T (p.Lys895Ter)

Gene: COL4A5 (collagen type IV alpha 5 chain; plus strand). Cytogenetic location: Xq22.3.
Variant type: single nucleotide variant.
Coding change: c.2683A>T on transcript NM_033380.3 (MANE Select); coding-DNA position 2683, A replaced by T.
Protein change: p.Lys895Ter; replaces lysine 895 with a stop codon.
Molecular consequence: nonsense.
Genome position (GRCh38, 1-based): chrX:108,621,808, A>T. VCF-style: chrX-108621808-A-T. GRCh37 (hg19) VCF-style: chrX-107865038-A-T.
Other names: c.2683A>T, p.Lys895Ter (NM_000495.5); short protein forms K895*.
Identifiers: ClinVar variation 1724884 (VCV001724884.2), dbSNP rs2524403492, ClinGen allele CA413851859.